The following is an entry in ClinVar:

ClinVar aggregate classification (germline): Uncertain significance (1 of 4 stars; one submission).

Conditions:
Hereditary cancer-predisposing syndrome. Also called: Neoplastic Syndromes, Hereditary; Hereditary Cancer Syndrome; Tumor predisposition; Hereditary neoplastic syndrome. Identifiers: Orphanet 140162, MedGen C0027672, MeSH D009386, MONDO:0015356.

Submission:

Ambry Genetics
Classification: Uncertain significance for Hereditary cancer-predisposing syndrome. Last evaluated: 2023-03-02. Review status: criteria provided, single submitter. Criteria: Ambry Variant Classification Scheme 2023. Collection method: clinical testing. Allele origin: germline.
Comment: The p.M719L variant (also known as c.2155A>C), located in coding exon 14 of the CTNNA1 gene, results from an A to C substitution at nucleotide position 2155. The methionine at codon 719 is replaced by leucine, an amino acid with highly similar properties. This amino acid position is conserved. In addition, the in silico prediction for this alteration is inconclusive. Since supporting evidence is limited at this time, the clinical significance of this alteration remains unclear.

NM_001903.5(CTNNA1):c.2155A>C (p.Met719Leu)

Gene: CTNNA1 (catenin alpha 1; plus strand). Cytogenetic location: 5q31.2.
Variant type: single nucleotide variant.
Coding change: c.2155A>C on transcript NM_001903.5 (MANE Select); coding-DNA position 2155, A replaced by C.
Protein change: p.Met719Leu; replaces methionine 719 with leucine.
Molecular consequence: missense variant.
Genome position (GRCh38, 1-based): chr5:138,930,617, A>C. VCF-style: chr5-138930617-A-C. GRCh37 (hg19) VCF-style: chr5-138266306-A-C.
Other names: c.802A>C, p.Met268Leu (NM_001324012.1, NM_001324013.1); c.2155A>C, p.Met719Leu (NM_001290307.3, NM_001323982.2, NM_001323983.1 and 2 more transcripts); c.1846A>C, p.Met616Leu (NM_001290309.3); c.1786A>C, p.Met596Leu (NM_001290310.3); c.1045A>C, p.Met349Leu (NM_001290312.1, NM_001323987.1, NM_001323988.1 and 17 more transcripts); c.2062A>C, p.Met688Leu (NM_001323986.2); c.706A>C, p.Met236Leu (NM_001324006.1, NM_001324007.1, NM_001324008.1 and 2 more transcripts); c.952A>C, p.Met318Leu (NM_001324011.1); short protein forms M268L, M318L, M616L, M688L, M719L, M349L, M236L, M596L.
Identifiers: ClinVar variation 2448352 (VCV002448352.2), dbSNP rs2533850952, ClinGen allele CA361133632.